The following is an entry in ClinVar:

NM_194277.3(FRMD7):c.206-4T>G

Gene: FRMD7 (FERM domain containing 7; minus strand). Cytogenetic location: Xq26.2.
Variant type: single nucleotide variant.
Coding change: c.206-4T>G on transcript NM_194277.3 (MANE Select); 4 bases into the intron before coding-DNA position 206, T replaced by G.
Molecular consequence: intron variant.
Genome position (GRCh38, 1-based): chrX:132,097,348, A>C on the plus strand (T>G on the coding strand, the complement: FRMD7 is on the minus strand). VCF-style: chrX-132097348-A-C. GRCh37 (hg19) VCF-style: chrX-131231376-A-C.
Other names: c.206-49T>G (NM_001306193.2).
Identifiers: ClinVar variation 424446 (VCV000424446.2), dbSNP rs1064796971, ClinGen allele CA16621201.
Genomic context (GRCh38, chrX:132,097,348, plus strand): 5'-GTCCAGGGTCCACTGGGAAAAATTTCACCATAAATTTGAAAACAATCTCCTTAGGATCTT[A>C]AAACACAATATCTCCATAAGTTTTATTTAAATGTCCATCACAACAGTTATAGGTACACAC-3'

ClinVar aggregate classification (germline): Uncertain significance (1 of 4 stars; one submission).

Allele frequency attached by ClinVar (database versions not stated): gnomAD 0.00001; TOPMed 0.00001.
gnomAD v4.1: 3 of 1,081,453 alleles (0.00028%); highest among the groups gnomAD compares: Admixed American, 0.0022%; no homozygotes.

Submission:

GeneDx
Classification: Uncertain significance. Last evaluated: 2018-07-26. Review status: criteria provided, single submitter. Criteria: GeneDx Variant Classification (06012015). Collection method: clinical testing. Allele origin: germline. Affected: yes.
Comment: The c.206-4T>G variant in the FRMD7 gene has not been reported previously as a pathogenic variant nor as a benign variant, to our knowledge. Some splicing predictor models suggest that this variant may create a cryptic splice acceptor site upstream of the natural splice acceptor site in intron 3, which may cause abnormal gene splicing; however, in the absence of RNA/functional studies, the actual effect of this variant is unknown. The c.206-4T>G variant is not observed in large population cohorts (Lek et al., 2016; 1000 Genomes Consortium et al., 2015; Exome Variant Server). We interpret c.206-4T>G as a variant of uncertain significance.